The following is an entry in ClinVar:

ClinVar aggregate classification (germline): Uncertain significance. Review status: criteria provided, multiple submitters, no conflicts (2 of 4 stars). 4 submissions from 4 submitters: Uncertain significance (4). Last evaluated 2026-01-18.

Conditions:
Hereditary cancer-predisposing syndrome. Also called: Neoplastic Syndromes, Hereditary; Hereditary Cancer Syndrome; Hereditary neoplastic syndrome; Tumor predisposition. Identifiers: Orphanet 140162, MedGen C0027672, MeSH D009386, MONDO:0015356.
Gastrointestinal stromal tumor. Also called: Gastrointestinal stroma tumor; Gastrointestinal stromal tumor, somatic. Identifiers: Orphanet 44890, MedGen C0238198, MeSH D046152, MONDO:0011719, OMIM 606764, HP:0100723.

Allele frequency attached by ClinVar (database versions not stated): gnomAD exomes 0.00002; TOPMed 0.00002; gnomAD 0.00003.
gnomAD v4.1: 35 of 1,613,522 alleles (0.0022%); highest among the groups gnomAD compares: Non-Finnish European, 0.0028%; no homozygotes.

Submissions (4):

Labcorp Genetics (formerly Invitae), Labcorp
Classification: Uncertain significance for Gastrointestinal stromal tumor. Last evaluated: 2026-01-18. Review status: criteria provided, single submitter. Criteria: Invitae Variant Classification Sherloc (09022015). Collection method: clinical testing. Allele origin: germline.
Comment: This sequence change replaces isoleucine, which is neutral and non-polar, with threonine, which is neutral and polar, at codon 924 of the KIT protein (p.Ile924Thr). This variant is not present in population databases (gnomAD no frequency). This variant has not been reported in the literature in individuals affected with KIT-related conditions. ClinVar contains an entry for this variant (Variation ID: 409792). An algorithm developed to predict the effect of missense changes on protein structure and function (PolyPhen-2) suggests that this variant is likely to be disruptive. In summary, the available evidence is currently insufficient to determine the role of this variant in disease. Therefore, it has been classified as a Variant of Uncertain Significance.

Ambry Genetics
Classification: Uncertain significance for Hereditary cancer-predisposing syndrome. Last evaluated: 2024-12-11. Review status: criteria provided, single submitter. Criteria: Ambry Variant Classification Scheme 2023. Collection method: clinical testing. Allele origin: germline.
Comment: The p.I924T variant (also known as c.2771T>C), located in coding exon 20 of the KIT gene, results from a T to C substitution at nucleotide position 2771. The isoleucine at codon 924 is replaced by threonine, an amino acid with similar properties. This amino acid position is well conserved in available vertebrate species. In addition, the in silico prediction for this alteration is inconclusive. Since supporting evidence is limited at this time, the clinical significance of this alteration remains unclear.

Baylor Genetics
Classification: Uncertain significance for Gastrointestinal stromal tumor. Last evaluated: 2024-03-19. Review status: criteria provided, single submitter. Criteria: ACMG Guidelines, 2015. Collection method: clinical testing. Allele origin: unknown.

GeneDx
Classification: Uncertain significance. Last evaluated: 2024-01-26. Review status: criteria provided, single submitter. Criteria: GeneDx Variant Classification Process June 2021. Collection method: clinical testing. Allele origin: germline.
Comment: Not observed at significant frequency in large population cohorts (gnomAD); In silico analysis supports that this missense variant has a deleterious effect on protein structure/function; Has not been previously published as pathogenic or benign to our knowledge

NM_000222.3(KIT):c.2771T>C (p.Ile924Thr)

Gene: KIT (KIT proto-oncogene, receptor tyrosine kinase; plus strand). Cytogenetic location: 4q12.
Variant type: single nucleotide variant.
Coding change: c.2771T>C on transcript NM_000222.3 (MANE Select); coding-DNA position 2771, T replaced by C.
Protein change: p.Ile924Thr; replaces isoleucine 924 with threonine.
Molecular consequence: missense variant.
Genome position (GRCh38, 1-based): chr4:54,737,249, T>C. VCF-style: chr4-54737249-T-C. GRCh37 (hg19) VCF-style: chr4-55603415-T-C.
Other names: c.2759T>C, p.Ile920Thr (NM_001093772.2, NM_001385292.1); c.2774T>C, p.Ile925Thr (NM_001385284.1); c.2768T>C, p.Ile923Thr (NM_001385285.1); c.2756T>C, p.Ile919Thr (NM_001385286.1); c.2762T>C, p.Ile921Thr (NM_001385288.1); c.2771T>C, p.Ile924Thr (NM_001385290.1); short protein forms I924T, I920T, I919T, I921T, I923T, I925T.
Identifiers: ClinVar variation 409792 (VCV000409792.17), dbSNP rs1000138811, ClinGen allele CA16611525.